The following is an entry in ClinVar:

ClinVar aggregate classification (germline): Uncertain significance (1 of 4 stars; one submission).

Conditions:
Weaver syndrome (WVS). Also called: Weaver Smith syndrome; Overgrowth syndrome with accelerated skeletal maturation, unusual facies, and camptodactyly. Identifiers: Orphanet 3447, MedGen C0265210, MONDO:0010193, OMIM 277590.

Submission:

Labcorp Genetics (formerly Invitae), Labcorp
Classification: Uncertain significance for Weaver syndrome. Last evaluated: 2023-12-12. Review status: criteria provided, single submitter. Criteria: Invitae Variant Classification Sherloc (09022015). Collection method: clinical testing. Allele origin: germline.
Comment: This sequence change replaces glutamic acid, which is acidic and polar, with alanine, which is neutral and non-polar, at codon 275 of the EZH2 protein (p.Glu275Ala). This variant is not present in population databases (gnomAD no frequency). This variant has not been reported in the literature in individuals affected with EZH2-related conditions. Advanced modeling of protein sequence and biophysical properties (such as structural, functional, and spatial information, amino acid conservation, physicochemical variation, residue mobility, and thermodynamic stability) has been performed at Invitae for this missense variant, however the output from this modeling did not meet the statistical confidence thresholds required to predict the impact of this variant on EZH2 protein function. In summary, the available evidence is currently insufficient to determine the role of this variant in disease. Therefore, it has been classified as a Variant of Uncertain Significance.

NM_004456.5(EZH2):c.824A>C (p.Glu275Ala)

Gene: EZH2 (enhancer of zeste 2 polycomb repressive complex 2 subunit; minus strand). Cytogenetic location: 7q36.1.
Variant type: single nucleotide variant.
Coding change: c.824A>C on transcript NM_004456.5 (MANE Select); coding-DNA position 824, A replaced by C.
Protein change: p.Glu275Ala; replaces glutamic acid 275 with alanine.
Molecular consequence: missense variant.
Genome position (GRCh38, 1-based): chr7:148,826,537, T>G on the plus strand (A>C on the coding strand, the complement: EZH2 is on the minus strand). VCF-style: chr7-148826537-T-G. GRCh37 (hg19) VCF-style: chr7-148523629-T-G.
Other names: c.824A>C, p.Glu275Ala (NM_001203247.2); c.797A>C, p.Glu266Ala (NM_001203248.2, NM_001203249.2); c.707A>C, p.Glu236Ala (NM_152998.3); short protein forms E236A, E266A, E275A.
Identifiers: ClinVar variation 2702377 (VCV002702377.3), dbSNP rs2537033588, ClinGen allele CA369719291.